The following is an entry in ClinVar:

NM_018676.4(THSD1):c.1425C>T (p.Arg475=)

Gene: THSD1 (thrombospondin type 1 domain containing 1; minus strand). Cytogenetic location: 13q14.3.
Variant type: single nucleotide variant.
Coding change: c.1425C>T on transcript NM_018676.4 (MANE Select); coding-DNA position 1425, C replaced by T.
Protein change: p.Arg475=; no amino-acid change (arginine 475 retained).
Molecular consequence: synonymous variant.
Genome position (GRCh38, 1-based): chr13:52,378,545, G>A on the plus strand (C>T on the coding strand, the complement: THSD1 is on the minus strand). VCF-style: chr13-52378545-G-A. GRCh37 (hg19) VCF-style: chr13-52952680-G-A.
Other names: c.1266C>T, p.Arg422= (NM_199263.3).
Identifiers: ClinVar variation 3037659 (VCV003037659.2), dbSNP rs9536043, ClinGen allele CA6991994.
Genomic context (GRCh38, chr13:52,378,545, plus strand): 5'-AGGGATGCCTGTGTCCCCTGGACTCCCCGTGGGCCCGTCTCCCCCATCCGAGAAGCTCCC[G>A]CGCTGCTCGCTCAGCTCGCAGATATTCTCCTCGTCCGAGTTCTTCCGGAAGCTGGGGGAG-3'
Protein context (NP_061146.1, residues 465-485): EENICELSEQ[Arg475=]GSFSDGGDGP

ClinVar aggregate classification (germline): Likely benign (0 of 4 stars; one submission).

Conditions:
THSD1-related disorder. Also called: THSD1-related condition.

Allele frequency attached by ClinVar (database versions not stated): ExAC 0.05103; 1000 Genomes Project 0.05611; 1000 Genomes Project 30x 0.05684; TOPMed 0.05979; gnomAD 0.06030; ESP Exome Variant Server 0.06435.
gnomAD v4.1: 82,285 of 1,614,084 alleles (5.1%); highest among the groups gnomAD compares: African/African-American, 9.2%; 2,401 homozygotes.

Submission:

PreventionGenetics, part of Exact Sciences
Classification: Likely benign for THSD1-related condition. Last evaluated: 2024-07-23. Review status: no assertion criteria provided. Collection method: clinical testing. Allele origin: germline.
Comment: This variant is classified as likely benign based on ACMG/AMP sequence variant interpretation guidelines (Richards et al. 2015 PMID: 25741868, with internal and published modifications).